The following is an entry in ClinVar:

NM_015100.4(POGZ):c.2419A>T (p.Lys807Ter)

Gene: POGZ (pogo transposable element derived with ZNF domain; minus strand). Cytogenetic location: 1q21.3.
Variant type: single nucleotide variant.
Coding change: c.2419A>T on transcript NM_015100.4 (MANE Select); coding-DNA position 2419, A replaced by T.
Protein change: p.Lys807Ter; replaces lysine 807 with a stop codon.
Molecular consequence: nonsense.
Genome position (GRCh38, 1-based): chr1:151,407,248, T>A on the plus strand (A>T on the coding strand, the complement: POGZ is on the minus strand). VCF-style: chr1-151407248-T-A. GRCh37 (hg19) VCF-style: chr1-151379724-T-A.
Other names: c.2392A>T, p.Lys798Ter (NM_001194937.2); c.2233A>T, p.Lys745Ter (NM_001194938.2); c.2134A>T, p.Lys712Ter (NM_145796.4); c.2260A>T, p.Lys754Ter (NM_207171.2); short protein forms K807*, K745*, K712*, K754*, K798*.
Identifiers: ClinVar variation 489263 (VCV000489263.2), dbSNP rs1553213659, ClinGen allele CA341954028.

ClinVar aggregate classification (germline): Pathogenic (1 of 4 stars; one submission).

Submission:

GeneDx
Classification: Pathogenic. Last evaluated: 2017-12-20. Review status: criteria provided, single submitter. Criteria: GeneDx Variant Classification (06012015). Collection method: clinical testing. Allele origin: germline. Affected: yes.
Comment: The K807X variant in the POGZ gene has not been reported previously as a pathogenic variant nor as a benign variant, to our knowledge. This variant is predicted to cause loss of normal protein function either through protein truncation or nonsense-mediated mRNA decay. The K807X variant is not observed in large population cohorts (Lek et al., 2016). We interpret K807X as a pathogenic variant.